The following is an entry in ClinVar:

ClinVar aggregate classification (germline): Conflicting classifications of pathogenicity. Review status: criteria provided, conflicting classifications (1 of 4 stars). 6 submissions from 6 submitters: Uncertain significance (4); Likely benign (1). 1 of the submissions does not count toward it. Last evaluated 2025-10-22.

Conditions:
Inborn genetic diseases. Identifiers: MedGen C0950123, MeSH D030342.
COL6A3-related disorder. Also called: COL6A3-related disorders; COL6A3-related condition.
Dystonia 27 (DYT27). Identifiers: Orphanet 464440, MedGen C4225336, MONDO:0014627, OMIM 616411.
Bethlem myopathy 1A. Also called: Bethlem Muscular Dystrophy; MYOPATHY, BENIGN CONGENITAL, WITH CONTRACTURES; Bethlem myopathy 1. Identifiers: Orphanet 610, MedGen CN029274, MONDO:0024530, OMIM 158810.

Allele frequency attached by ClinVar (database versions not stated): ExAC 0.00001; gnomAD exomes 0.00002 and 0.00006; gnomAD 0.00005; ESP Exome Variant Server 0.00008; TOPMed 0.00008.
gnomAD v4.1: 94 of 1,614,072 alleles (0.0058%); highest among the groups gnomAD compares: Non-Finnish European, 0.0069%; no homozygotes.

Submissions (6):

Ambry Genetics
Classification: Uncertain significance for Inborn genetic diseases. Last evaluated: 2025-10-22. Review status: criteria provided, single submitter. Criteria: Ambry Variant Classification Scheme 2023. Collection method: clinical testing. Allele origin: germline.

Labcorp Genetics (formerly Invitae), Labcorp
Classification: Likely benign for Bethlem myopathy 1A. Last evaluated: 2025-07-21. Review status: criteria provided, single submitter. Criteria: Invitae Variant Classification Sherloc (09022015). Collection method: clinical testing. Allele origin: germline.

Revvity Omics, Revvity
Classification: Uncertain significance. Last evaluated: 2023-04-25. Review status: criteria provided, single submitter. Criteria: ACMG Guidelines, 2015. Collection method: clinical testing. Allele origin: germline.

Baylor Genetics
Classification: Uncertain significance for Dystonia 27. Last evaluated: 2019-09-18. Review status: criteria provided, single submitter. Criteria: ACMG Guidelines, 2015. Collection method: clinical testing. Allele origin: unknown. Affected: yes.
Comment: This variant was determined to be of uncertain significance according to ACMG Guidelines, 2015 [PMID:25741868].

Eurofins Ntd Llc (ga)
Classification: Uncertain significance. Last evaluated: 2016-10-05. Review status: criteria provided, single submitter. Criteria: EGL Classification Definitions 2015. Collection method: clinical testing. Allele origin: germline. Observed: 1 variant allele, 1 heterozygote.

PreventionGenetics, part of Exact Sciences
Classification: Uncertain significance for COL6A3-related condition. Last evaluated: 2024-05-28. Review status: no assertion criteria provided. Collection method: clinical testing. Allele origin: germline. Not counted in ClinVar's aggregate classification.
Comment: The COL6A3 c.5734G>A variant is predicted to result in the amino acid substitution p.Glu1912Lys. To our knowledge, this variant has not been reported in the literature. This variant is reported in 0.0044% of alleles in individuals of European (Non-Finnish) descent in gnomAD. At this time, the clinical significance of this variant is uncertain due to the absence of conclusive functional and genetic evidence.

NM_004369.4(COL6A3):c.5734G>A (p.Glu1912Lys)

Gene: COL6A3 (collagen type VI alpha 3 chain; minus strand). Cytogenetic location: 2q37.3.
Variant type: single nucleotide variant.
Coding change: c.5734G>A on transcript NM_004369.4 (MANE Select); coding-DNA position 5734, G replaced by A.
Protein change: p.Glu1912Lys; replaces glutamic acid 1912 with lysine.
Molecular consequence: missense variant.
Genome position (GRCh38, 1-based): chr2:237,365,802, C>T on the plus strand (G>A on the coding strand, the complement: COL6A3 is on the minus strand). VCF-style: chr2-237365802-C-T. GRCh37 (hg19) VCF-style: chr2-238274445-C-T.
Other names: c.3913G>A, p.Glu1305Lys (NM_057166.5); c.5116G>A, p.Glu1706Lys (NM_057167.4); short protein forms E1912K, E1305K, E1706K.
Identifiers: ClinVar variation 476537 (VCV000476537.27), dbSNP rs113251155, ClinGen allele CA2188590.